The following is an entry in ClinVar:

NM_144670.6(A2ML1):c.2713-8C>A

Gene: A2ML1 (alpha-2-macroglobulin like 1; plus strand). Cytogenetic location: 12p13.31.
Variant type: single nucleotide variant.
Coding change: c.2713-8C>A on transcript NM_144670.6 (MANE Select); 8 bases into the intron before coding-DNA position 2713, C replaced by A.
Molecular consequence: intron variant.
Genome position (GRCh38, 1-based): chr12:8,854,772, C>A. VCF-style: chr12-8854772-C-A. GRCh37 (hg19) VCF-style: chr12-9007368-C-A.
Other names: c.1240-8C>A (NM_001282424.3).
Identifiers: ClinVar variation 241896 (VCV000241896.16), dbSNP rs184386564, ClinGen allele CA6436110.

ClinVar aggregate classification (germline): Conflicting classifications of pathogenicity. Review status: criteria provided, conflicting classifications (1 of 4 stars). 7 submissions from 7 submitters: Uncertain significance (1); Benign (3); Likely benign (1). 2 of the submissions do not count toward it. Last evaluated 2026-01-19.

Conditions:
A2ML1-related disorder. Also called: A2ML1-related condition.
Otitis media, susceptibility to (OMS). Also called: OTITIS MEDIA, CHRONIC/RECURRENT; COME/ROM. Identifiers: MedGen C1833692, MONDO:0008162, OMIM 166760.
Otitis media. Identifiers: MedGen C0029882, MONDO:0005441, HP:0000388.

Allele frequency attached by ClinVar (database versions not stated): ESP Exome Variant Server 0.00099; 1000 Genomes Project 0.00100; TOPMed 0.00100; 1000 Genomes Project 30x 0.00109; gnomAD exomes 0.00133 and 0.00172; ExAC 0.00160; gnomAD 0.00184 and 0.00216.
gnomAD v4.1: 2,225 of 1,614,130 alleles (0.14%); highest among the groups gnomAD compares: Non-Finnish European, 0.099%; 11 homozygotes.

Submissions (7):

Labcorp Genetics (formerly Invitae), Labcorp
Classification: Benign. Last evaluated: 2026-01-19. Review status: criteria provided, single submitter. Criteria: Invitae Variant Classification Sherloc (09022015). Collection method: clinical testing. Allele origin: germline.

Blueprint Genetics
Classification: Likely benign. Last evaluated: 2024-09-19. Review status: criteria provided, single submitter. Criteria: ACMG Guidelines, 2015. Collection method: clinical testing. Allele origin: germline.

Women's Health and Genetics/Laboratory Corporation of America, LabCorp
Classification: Benign. Last evaluated: 2019-10-22. Review status: criteria provided, single submitter. Criteria: LabCorp Variant Classification Summary - May 2015. Collection method: clinical testing. Allele origin: germline.
Comment: Variant summary: A2ML1 c.2713-8C>A alters a non-conserved nucleotide located close to a canonical splice site and therefore could affect mRNA splicing, leading to a significantly altered protein sequence. 5/5 computational tools predict no significant impact on normal splicing. However, these predictions have yet to be confirmed by functional studies. The variant allele was found at a frequency of 0.0017 in 249404 control chromosomes in the gnomAD database, including 3 homozygotes. The observed variant frequency is approximately 430-fold over the estimated maximal allele frequency expected for a pathogenic variant in A2ML1 causing Noonan Syndrome phenotype (4e-06), strongly suggesting that the variant is benign. To our knowledge, there are no reports of c.2713-8C>A in individuals affected with Noonan Syndrome and no experimental evidence demonstrating an impact on protein function in the literature. Three clinical diagnostic laboratories have submitted clinical-significance assessments for this variant to ClinVar after 2014 without evidence for independent evaluation. Two laboratories cited the variant as benign and one cited the variant as uncertain significance. Based on the evidence outlined above, the variant was classified as benign.

Santos-Cortez Lab, University of Colorado School of Medicine
Classification: Uncertain significance for Otitis media, susceptibility to. Last evaluated: 2019-04-25. Review status: criteria provided, single submitter. Criteria: Larson et al. (Hum Mutat. 2019). Collection method: research. Allele origin: germline. Inheritance: Autosomal dominant inheritance. Affected: yes.

GeneDx
Classification: Benign. Last evaluated: 2018-04-04. Review status: criteria provided, single submitter. Criteria: GeneDx Variant Classification (06012015). Collection method: clinical testing. Allele origin: germline. Affected: yes.
Comment: This variant is considered likely benign or benign based on one or more of the following criteria: it is a conservative change, it occurs at a poorly conserved position in the protein, it is predicted to be benign by multiple in silico algorithms, and/or has population frequency not consistent with disease.

PreventionGenetics, part of Exact Sciences
Classification: Benign for A2ML1-related condition. Last evaluated: 2022-06-01. Review status: no assertion criteria provided. Collection method: clinical testing. Allele origin: germline. Not counted in ClinVar's aggregate classification.
Comment: This variant is classified as benign based on ACMG/AMP sequence variant interpretation guidelines (Richards et al. 2015 PMID: 25741868, with internal and published modifications).

University of Washington Center for Mendelian Genomics, University of Washington
Classification: Uncertain significance for Otitis media. Review status: no assertion criteria provided. Collection method: research. Allele origin: inherited. Affected: yes. Not counted in ClinVar's aggregate classification.

Literature cited by the submitters: PubMed 31009165 (cited by Women's Health and Genetics/Laboratory Corporation of America, LabCorp and University of Washington Center for Mendelian Genomics, University of Washington).